The following is an entry in ClinVar:

ClinVar aggregate classification (germline): Conflicting classifications of pathogenicity. Review status: criteria provided, conflicting classifications (1 of 4 stars). 2 submissions from 2 submitters: Uncertain significance (1); Likely benign (1). Last evaluated 2025-04-30.

Allele frequency attached by ClinVar (database versions not stated): ExAC 0.00001; ESP Exome Variant Server 0.00009.

Submissions (2):

Ambry Genetics
Classification: Uncertain significance. Last evaluated: 2025-04-30. Review status: criteria provided, single submitter. Criteria: Ambry Variant Classification Scheme 2023. Collection method: clinical testing. Allele origin: germline.

CeGaT Center for Human Genetics Tuebingen
Classification: Likely benign. Last evaluated: 2023-03-01. Review status: criteria provided, single submitter. Criteria: CeGaT Center For Human Genetics Tuebingen Variant Classification Criteria Version 2. Collection method: clinical testing. Allele origin: germline. Affected: yes. Observed: 1 variant allele.
Comment: ESX1: BP4

NM_153448.4(ESX1):c.132G>T (p.Glu44Asp)

Gene: ESX1 (ESX homeobox 1; minus strand). Cytogenetic location: Xq22.2.
Variant type: single nucleotide variant.
Coding change: c.132G>T on transcript NM_153448.4 (MANE Select); coding-DNA position 132, G replaced by T.
Protein change: p.Glu44Asp; replaces glutamic acid 44 with aspartic acid.
Molecular consequence: missense variant.
Genome position (GRCh38, 1-based): chrX:104,254,528, C>A on the plus strand (G>T on the coding strand, the complement: ESX1 is on the minus strand). VCF-style: chrX-104254528-C-A. GRCh37 (hg19) VCF-style: chrX-103499209-C-A.
Other names: c.132G>T (NM_153448.3); short protein forms E44D.
Identifiers: ClinVar variation 2661118 (VCV002661118.24), dbSNP rs149394798, ClinGen allele CA10480169.